The following is an entry in ClinVar:

ClinVar aggregate classification (germline): Uncertain significance. Review status: criteria provided, multiple submitters, no conflicts (2 of 4 stars). 2 submissions from 2 submitters: Uncertain significance (2). Last evaluated 2023-07-12.

Conditions:
Inborn genetic diseases. Identifiers: MedGen C0950123, MeSH D030342.

Allele frequency attached by ClinVar (database versions not stated): gnomAD exomes 0.00001.
gnomAD v4.1: 9 of 1,614,104 alleles (0.00056%); highest among the groups gnomAD compares: South Asian, 0.0099%; no homozygotes.

Submissions (2):

Ambry Genetics
Classification: Uncertain significance for Inborn genetic diseases. Last evaluated: 2023-07-12. Review status: criteria provided, single submitter. Criteria: Ambry Variant Classification Scheme 2023. Collection method: clinical testing. Allele origin: germline.

Labcorp Genetics (formerly Invitae), Labcorp
Classification: Uncertain significance. Last evaluated: 2022-04-21. Review status: criteria provided, single submitter. Criteria: Invitae Variant Classification Sherloc (09022015). Collection method: clinical testing. Allele origin: germline.
Comment: In summary, the available evidence is currently insufficient to determine the role of this variant in disease. Therefore, it has been classified as a Variant of Uncertain Significance. Algorithms developed to predict the effect of missense changes on protein structure and function (SIFT, PolyPhen-2, Align-GVGD) all suggest that this variant is likely to be tolerated. This variant has not been reported in the literature in individuals affected with ABHD5-related conditions. This variant is present in population databases (no rsID available, gnomAD 0.003%). This sequence change replaces isoleucine, which is neutral and non-polar, with threonine, which is neutral and polar, at codon 320 of the ABHD5 protein (p.Ile320Thr).

NM_016006.6(ABHD5):c.959T>C (p.Ile320Thr)

Gene: ABHD5 (abhydrolase domain containing 5, lysophosphatidic acid acyltransferase; plus strand). Cytogenetic location: 3p21.33.
Variant type: single nucleotide variant.
Coding change: c.959T>C on transcript NM_016006.6 (MANE Select); coding-DNA position 959, T replaced by C.
Protein change: p.Ile320Thr; replaces isoleucine 320 with threonine.
Molecular consequence: missense variant. On other transcripts: non-coding transcript variant (1), intron variant (1).
Genome position (GRCh38, 1-based): chr3:43,717,856, T>C. VCF-style: chr3-43717856-T-C. GRCh37 (hg19) VCF-style: chr3-43759348-T-C.
Other names: c.959T>C (NM_016006.4); c.959T>C, p.Ile320Thr (NM_001355186.2); c.836T>C, p.Ile279Thr (NM_001365649.1); c.774-587T>C (NM_001365650.1); short protein forms I279T, I320T.
Identifiers: ClinVar variation 2127182 (VCV002127182.6), dbSNP rs1342054663, ClinGen allele CA352347859.